The following is an entry in ClinVar:

ClinVar aggregate classification (germline): Conflicting classifications of pathogenicity. Review status: criteria provided, conflicting classifications (1 of 4 stars). 3 submissions from 3 submitters: Uncertain significance (1); Likely benign (2). Last evaluated 2024-11-11.

Conditions:
Nephrotic syndrome, type 2 (NPHS2). Also called: NEPHROTIC SYNDROME, STEROID-RESISTANT, AUTOSOMAL RECESSIVE. Identifiers: Orphanet 656, MedGen C1868672, MONDO:0010974, OMIM 600995.

gnomAD v4.1: 9 of 1,539,618 alleles (0.00058%); highest among the groups gnomAD compares: East Asian, 0.0024%; no homozygotes.

Submissions (3):

Labcorp Genetics (formerly Invitae), Labcorp
Classification: Likely benign. Last evaluated: 2024-11-11. Review status: criteria provided, single submitter. Criteria: Invitae Variant Classification Sherloc (09022015). Collection method: clinical testing. Allele origin: germline.

Blueprint Genetics
Classification: Likely benign. Last evaluated: 2024-11-06. Review status: criteria provided, single submitter. Criteria: ACMG Guidelines, 2015. Collection method: clinical testing. Allele origin: germline.

Victorian Clinical Genetics Services, Murdoch Childrens Research Institute
Classification: Uncertain significance for Nephrotic syndrome, type 2. Last evaluated: 2022-02-02. Review status: criteria provided, single submitter. Criteria: ACMG Guidelines, 2015. Collection method: clinical testing. Allele origin: germline. Inheritance: Autosomal recessive inheritance.
Comment: Based on the classification scheme VCGS_Germline_v1.3.4, this variant is classified as VUS-3C. Following criteria are met: 0102 - Loss of function is a known mechanism of disease in this gene and is associated with nephrotic syndrome, type 2 (MIM#600995). (I) 0106 - This gene is associated with autosomal recessive disease. (I) 0115 - Variants in this gene are known to have variable expressivity. Intra-familial variability and severity has been reported (OMIM). (I) 0218 - Synonymous variant without known or predicted effect. (I) 0251 - This variant is heterozygous. (I) 0304 - Variant is present in gnomAD <0.01 for a recessive condition (v2: 1 heterozygote, 0 homozygotes). (SP) 0508 - In silico predictions for abnormal splicing are inconclusive. (I) 0604 - Variant is not located in an established domain, motif, hotspot or informative constraint region. (I) 0808 - Previous reports of pathogenicity for this variant are conflicting. This variant has been classified as likely benign in LOVD. The same individual was also compound heterozygous for the NPHS2 p.N355S variant and three other variants in PLCE1, ARHGAP24 and COL4A5 respectively; all of which have been classified as VUSs (PMID: 28780565). (I) 0905 - No published segregation evidence has been identified for this variant. (I) 1007 - No published functional evidence has been identified for this variant. (I) 1208 - Inheritance information for this variant is not currently available in this individual. (I) Legend: (SP) - Supporting pathogenic, (I) - Information, (SB) - Supporting benign

Literature cited by the submitters: PubMed 28780565 (cited by Victorian Clinical Genetics Services, Murdoch Childrens Research Institute).

NM_014625.4(NPHS2):c.138G>A (p.Ser46=)

Gene: NPHS2 (NPHS2 stomatin family member, podocin; minus strand). Cytogenetic location: 1q25.2.
Variant type: single nucleotide variant.
Coding change: c.138G>A on transcript NM_014625.4 (MANE Select); coding-DNA position 138, G replaced by A.
Protein change: p.Ser46=; no amino-acid change (serine 46 retained).
Molecular consequence: synonymous variant.
Genome position (GRCh38, 1-based): chr1:179,575,727, C>T on the plus strand (G>A on the coding strand, the complement: NPHS2 is on the minus strand). VCF-style: chr1-179575727-C-T. GRCh37 (hg19) VCF-style: chr1-179544862-C-T.
Other names: c.138G>A, p.Ser46= (NM_001297575.2).
Identifiers: ClinVar variation 1086502 (VCV001086502.9), dbSNP rs1053139144, ClinGen allele CA33653942.